The following is an entry in ClinVar:

ClinVar aggregate classification (germline): Likely benign (1 of 4 stars; one submission).

gnomAD v4.1: 4,444 of 1,542,716 alleles (0.29%); highest among the groups gnomAD compares: Middle Eastern, 0.93%; 53 homozygotes.

Submission:

CeGaT Center for Human Genetics Tuebingen
Classification: Likely benign. Last evaluated: 2026-09-01. Review status: criteria provided, single submitter. Criteria: CeGaT Center For Human Genetics Tuebingen Variant Classification Criteria Version 2. Collection method: clinical testing. Allele origin: germline. Affected: yes. Observed: 1 variant allele.
Comment: ZFPM1: BP4, BS2

NM_153813.3(ZFPM1):c.403-8C>A

Genes: ZFPM1 (zinc finger protein, FOG family member 1; plus strand), ZFPM1-AS1 (ZFPM1 antisense RNA 1; minus strand). Cytogenetic location: 16q24.2.
Variant type: single nucleotide variant.
Coding change: c.403-8C>A on transcript NM_153813.3 (MANE Select); 8 bases into the intron before coding-DNA position 403, C replaced by A.
Molecular consequence: intron variant.
Genome position (GRCh38, 1-based): chr16:88,526,806, C>A. VCF-style: chr16-88526806-C-A. GRCh37 (hg19) VCF-style: chr16-88593214-C-A.
Identifiers: ClinVar variation 5040813 (VCV005040813.1).